The following is an entry in ClinVar:

ClinVar aggregate classification (germline): Uncertain significance (0 of 4 stars; one submission).

Conditions:
NR0B2-related disorder. Also called: NR0B2-related condition.

gnomAD v4.1: 13 of 1,614,232 alleles (0.00081%); highest among the groups gnomAD compares: South Asian, 0.0011%; no homozygotes.

Submission:

PreventionGenetics, part of Exact Sciences
Classification: Uncertain significance for NR0B2-related condition. Last evaluated: 2024-03-18. Review status: no assertion criteria provided. Collection method: clinical testing. Allele origin: germline.
Comment: The NR0B2 c.646C>T variant is predicted to result in the amino acid substitution p.Arg216Cys. To our knowledge, this variant has not been reported in the literature. This variant is reported in 0.0062% of alleles in individuals of African descent in gnomAD. At this time, the clinical significance of this variant is uncertain due to the absence of conclusive functional and genetic evidence.

NM_021969.3(NR0B2):c.646C>T (p.Arg216Cys)

Genes: NR0B2 (nuclear receptor subfamily 0 group B member 2; minus strand), NUDC (nuclear distribution C, dynein complex regulator; plus strand). Cytogenetic location: 1p36.11.
Variant type: single nucleotide variant.
Coding change: c.646C>T on transcript NM_021969.3 (MANE Select); coding-DNA position 646, C replaced by T.
Protein change: p.Arg216Cys; replaces arginine 216 with cysteine.
Molecular consequence: missense variant.
Genome position (GRCh38, 1-based): chr1:26,911,973, G>A on the plus strand (C>T on the coding strand, the complement: NR0B2 is on the minus strand). VCF-style: chr1-26911973-G-A. GRCh37 (hg19) VCF-style: chr1-27238464-G-A.
Other names: short protein forms R216C.
Identifiers: ClinVar variation 3358479 (VCV003358479.1).
Genomic context (GRCh38, chr1:26,911,973, plus strand): 5'-AGAGGTCCCCAAGCAGGCTGGTCGGAATGGACTTGAGGGTGGAGGCCGTGAGGAGGACAC[G>A]GGTCAGGCGGCCTTGGGCTGCTGGGCACCAGGGTTCCAGGACTTCACACAGCACCCAGTG-3'
Protein context (NP_068804.1, residues 206-226): WCPAAQGRLT[Arg216Cys]VLLTASTLKS